The following is an entry in ClinVar:

ClinVar aggregate classification (germline): Uncertain significance (1 of 4 stars; one submission).

Conditions:
Hereditary cancer-predisposing syndrome. Also called: Neoplastic Syndromes, Hereditary; Tumor predisposition; Hereditary Cancer Syndrome; Hereditary neoplastic syndrome. Identifiers: Orphanet 140162, MedGen C0027672, MeSH D009386, MONDO:0015356.

Submission:

Ambry Genetics
Classification: Uncertain significance for Hereditary cancer-predisposing syndrome. Last evaluated: 2026-01-20. Review status: criteria provided, single submitter. Criteria: Ambry Variant Classification Scheme 2023. Collection method: clinical testing. Allele origin: germline.
Comment: The p.R860T variant (also known as c.2579G>C), located in coding exon 15 of the ALK gene, results from a G to C substitution at nucleotide position 2579. The arginine at codon 860 is replaced by threonine, an amino acid with similar properties. This amino acid position is highly conserved in available vertebrate species. In addition, this alteration is predicted to be tolerated by in silico analysis. Based on the available evidence, the clinical significance of this variant remains unclear.

NM_004304.5(ALK):c.2579G>C (p.Arg860Thr)

Gene: ALK (ALK receptor tyrosine kinase; minus strand). Cytogenetic location: 2p23.2.
Variant type: single nucleotide variant.
Coding change: c.2579G>C on transcript NM_004304.5 (MANE Select); coding-DNA position 2579, G replaced by C.
Protein change: p.Arg860Thr; replaces arginine 860 with threonine.
Molecular consequence: missense variant.
Genome position (GRCh38, 1-based): chr2:29,232,357, C>G on the plus strand (G>C on the coding strand, the complement: ALK is on the minus strand). VCF-style: chr2-29232357-C-G. GRCh37 (hg19) VCF-style: chr2-29455223-C-G.
Other names: short protein forms R860T.
Identifiers: ClinVar variation 4834512 (VCV004834512.1).